The following is an entry in ClinVar:

NM_004301.5(ACTL6A):c.891T>G (p.Phe297Leu)

Gene: ACTL6A (actin like 6A; plus strand). Cytogenetic location: 3q26.33.
Variant type: single nucleotide variant.
Coding change: c.891T>G on transcript NM_004301.5 (MANE Select); coding-DNA position 891, T replaced by G.
Protein change: p.Phe297Leu; replaces phenylalanine 297 with leucine.
Molecular consequence: missense variant.
Genome position (GRCh38, 1-based): chr3:179,580,954, T>G. VCF-style: chr3-179580954-T-G. GRCh37 (hg19) VCF-style: chr3-179298742-T-G.
Other names: c.765T>G, p.Phe255Leu (NM_177989.4, NM_178042.4); short protein forms F255L, F297L.
Identifiers: ClinVar variation 3359520 (VCV003359520.1).

ClinVar aggregate classification (germline): Uncertain significance (1 of 4 stars; one submission).

Submission:

GeneDx
Classification: Uncertain significance. Last evaluated: 2023-06-05. Review status: criteria provided, single submitter. Criteria: GeneDx Variant Classification Process June 2021. Collection method: clinical testing. Allele origin: germline. Affected: yes.
Comment: Not observed at significant frequency in large population cohorts (gnomAD); In silico analysis supports that this missense variant has a deleterious effect on protein structure/function; Has not been previously published as pathogenic or benign to our knowledge